The following is an entry in ClinVar:

ClinVar aggregate classification (germline): Uncertain significance (1 of 4 stars; one submission).

Submission:

Labcorp Genetics (formerly Invitae), Labcorp
Classification: Uncertain significance. Last evaluated: 2022-07-15. Review status: criteria provided, single submitter. Criteria: Invitae Variant Classification Sherloc (09022015). Collection method: clinical testing. Allele origin: germline.
Comment: In summary, the available evidence is currently insufficient to determine the role of this variant in disease. Therefore, it has been classified as a Variant of Uncertain Significance. This variant has not been reported in the literature in individuals affected with ERCC3-related conditions. A copy number gain of the genomic region encompassing the full coding sequence of the ERCC3 gene has been identified. The boundaries of this event are unknown as they extend beyond the assayed region for this gene and therefore may encompass additional genes. As the precise location of this event is unknown, it may be in tandem or it may be located elsewhere in the genome.

NC_000002.11:g.(?_128015172)_(128051657_?)dup

Gene: ERCC3 (ERCC excision repair 3, TFIIH core complex helicase subunit; minus strand). Cytogenetic location: 2q14.3.
Variant type: Duplication.
Identifiers: ClinVar variation 2422381 (VCV002422381.4).